The following is an entry in ClinVar:

ClinVar aggregate classification (germline): Uncertain significance. Review status: criteria provided, single submitter (1 of 4 stars). 2 submissions from 2 submitters: Uncertain significance (1). 1 of the submissions does not count toward it. Last evaluated 2021-08-13.

Conditions:
Hereditary insensitivity to pain with anhidrosis (CIPA). Also called: NEUROPATHY, CONGENITAL SENSORY, WITH ANHIDROSIS; INSENSITIVITY TO PAIN, CONGENITAL, WITH ANHIDROSIS; HSAN Type IV; NTRK1 Congenital Insensitivity to Pain with Anhidrosis; hereditary sensory and autonomic neuropathy type 4; FAMILIAL DYSAUTONOMIA, TYPE II. Identifiers: Orphanet 642, MedGen C0020074, MONDO:0009746, OMIM 256800.

Submissions (2):

Labcorp Genetics (formerly Invitae), Labcorp
Classification: Uncertain significance for Hereditary insensitivity to pain with anhidrosis. Last evaluated: 2021-08-13. Review status: criteria provided, single submitter. Criteria: Invitae Variant Classification Sherloc (09022015). Collection method: clinical testing. Allele origin: germline.
Comment: This sequence change replaces leucine with methionine at codon 82 of the NTRK1 protein (p.Leu82Met). The leucine residue is highly conserved and there is a small physicochemical difference between leucine and methionine. This variant is not present in population databases (ExAC no frequency). This variant has not been reported in the literature in individuals affected with NTRK1-related conditions. Algorithms developed to predict the effect of missense changes on protein structure and function are either unavailable or do not agree on the potential impact of this missense change (SIFT: "Deleterious"; PolyPhen-2: "Probably Damaging"; Align-GVGD: "Class C0"). In summary, the available evidence is currently insufficient to determine the role of this variant in disease. Therefore, it has been classified as a Variant of Uncertain Significance.

Natera, Inc.
Classification: Uncertain significance for Hereditary insensitivity to pain with anhidrosis. Last evaluated: 2020-10-01. Review status: no assertion criteria provided. Collection method: clinical testing. Allele origin: germline. Not counted in ClinVar's aggregate classification.

NM_002529.4(NTRK1):c.244C>A (p.Leu82Met)

Gene: NTRK1 (neurotrophic receptor tyrosine kinase 1; plus strand). Cytogenetic location: 1q23.1.
Variant type: single nucleotide variant.
Coding change: c.244C>A on transcript NM_002529.4 (MANE Select); coding-DNA position 244, C replaced by A.
Protein change: p.Leu82Met; replaces leucine 82 with methionine.
Molecular consequence: missense variant.
Genome position (GRCh38, 1-based): chr1:156,864,385, C>A. VCF-style: chr1-156864385-C-A. GRCh37 (hg19) VCF-style: chr1-156834177-C-A.
Other names: c.154C>A, p.Leu52Met (NM_001007792.1); c.244C>A, p.Leu82Met (NM_001012331.2); short protein forms L52M, L82M.
Identifiers: ClinVar variation 943854 (VCV000943854.10), dbSNP rs1655826385, ClinGen allele CA342931642.